The following is an entry in ClinVar:

ClinVar aggregate classification (germline): Pathogenic (1 of 4 stars; one submission).

Conditions:
Congenital contractures of the limbs and face, hypotonia, and developmental delay (CLIFAHDD). Identifiers: Orphanet 562528, MedGen C4225398, MONDO:0014556, OMIM 616266.

Submission:

Women's Health and Genetics/Laboratory Corporation of America, LabCorp
Classification: Pathogenic for Congenital contractures of the limbs and face, hypotonia, and developmental delay. Last evaluated: 2025-07-16. Review status: criteria provided, single submitter. Criteria: LabCorp Variant Classification Summary - May 2015. Collection method: clinical testing. Allele origin: germline.
Comment: Variant summary: NALCN c.3270G>A (p.Trp1090X) results in a premature termination codon, predicted to cause absence of the protein due to nonsense mediated decay, which is a commonly known mechanism for disease. Consensus agreement among computation tools predict no significant impact on normal splicing. However, these predictions have yet to be confirmed by functional studies. The variant was absent in 281986 control chromosomes. To our knowledge, no occurrence of c.3270G>A in individuals affected with Congenital Contractures Of The Limbs And Face, Hypotonia, And Developmental Delay and no experimental evidence demonstrating its impact on protein function have been reported. No submitters have cited clinical-significance assessments for this variant to ClinVar. Based on the evidence outlined above, the variant was classified as pathogenic.

NM_052867.4(NALCN):c.3270G>A (p.Trp1090Ter)

Gene: NALCN (sodium leak channel, non-selective; minus strand). Cytogenetic location: 13q32.3.
Variant type: single nucleotide variant.
Coding change: c.3270G>A on transcript NM_052867.4 (MANE Select); coding-DNA position 3270, G replaced by A.
Protein change: p.Trp1090Ter; replaces tryptophan 1090 with a stop codon.
Molecular consequence: nonsense.
Genome position (GRCh38, 1-based): chr13:101,089,966, C>T on the plus strand (G>A on the coding strand, the complement: NALCN is on the minus strand). VCF-style: chr13-101089966-C-T. GRCh37 (hg19) VCF-style: chr13-101742317-C-T.
Other names: c.3357G>A, p.Trp1119Ter (NM_001350748.2); c.3270G>A, p.Trp1090Ter (NM_001350749.2); c.3183G>A, p.Trp1061Ter (NM_001350750.2, NM_001350751.2); short protein forms W1119*, W1090*, W1061*.
Identifiers: ClinVar variation 4525836 (VCV004525836.1).